The following is an entry in ClinVar:

NM_015978.3(TNNI3K):c.2168T>C (p.Leu723Pro)

Genes: FPGT-TNNI3K (FPGT-TNNI3K readthrough; plus strand), LRRC53 (leucine rich repeat containing 53; minus strand), TNNI3K (TNNI3 interacting kinase; plus strand). Cytogenetic location: 1p31.1.
Variant type: single nucleotide variant.
Coding change: c.2168T>C on transcript NM_015978.3 (MANE Select); coding-DNA position 2168, T replaced by C.
Protein change: p.Leu723Pro; replaces leucine 723 with proline.
Molecular consequence: missense variant. On other transcripts: intron variant (2).
Genome position (GRCh38, 1-based): chr1:74,489,235, T>C. VCF-style: chr1-74489235-T-C. GRCh37 (hg19) VCF-style: chr1-74954919-T-C.
Other names: c.2471T>C, p.Leu824Pro (NM_001112808.3); c.-8-8267A>G (NM_001364666.2); c.-26-5860A>G (NM_001382280.1); short protein forms L723P, L824P.
Identifiers: ClinVar variation 2113413 (VCV002113413.4), dbSNP rs200840425, ClinGen allele CA24565192.

ClinVar aggregate classification (germline): Uncertain significance (1 of 4 stars; one submission).

Allele frequency attached by ClinVar (database versions not stated): gnomAD exomes 0.00002.
gnomAD v4.1: 26 of 1,611,918 alleles (0.0016%); highest among the groups gnomAD compares: Non-Finnish European, 0.0019%; no homozygotes.

Submission:

Labcorp Genetics (formerly Invitae), Labcorp
Classification: Uncertain significance. Last evaluated: 2025-10-22. Review status: criteria provided, single submitter. Criteria: Invitae Variant Classification Sherloc (09022015). Collection method: clinical testing. Allele origin: germline.
Comment: This sequence change replaces leucine, which is neutral and non-polar, with proline, which is neutral and non-polar, at codon 723 of the TNNI3K protein (p.Leu723Pro). This variant is present in population databases (rs200840425, gnomAD 0.0009%). This variant has not been reported in the literature in individuals affected with TNNI3K-related conditions. ClinVar contains an entry for this variant (Variation ID: 2113413). An algorithm developed to predict the effect of missense changes on protein structure and function (PolyPhen-2) suggests that this variant is likely to be disruptive. In summary, the available evidence is currently insufficient to determine the role of this variant in disease. Therefore, it has been classified as a Variant of Uncertain Significance.